The following is an entry in ClinVar:

NM_000535.7:c.(23+1_24-1)_(988+1_989-1)del

Gene: PMS2 (PMS1 homolog 2, mismatch repair system component; minus strand).
Variant type: Deletion.
Other names: c.(23+1_24-1)_(988+1_989-1)del (NM_000535.7).
Identifiers: ClinVar variation 3062357 (VCV003062357.1).

ClinVar aggregate classification (germline): Pathogenic (1 of 4 stars; one submission).

Conditions:
Lynch syndrome. Identifiers: Orphanet 144, MedGen C4552100, MONDO:0005835. Disease mechanism: loss of function.

Submission:

Department of Clinical Genetics, Copenhagen University Hospital, Rigshospitalet
Classification: Pathogenic for Lynch syndrome. Last evaluated: 2023-10-31. Review status: criteria provided, single submitter. Criteria: ACMG Guidelines, 2015. Collection method: clinical testing. Allele origin: germline. Affected: yes.
Comment: The following ACMG criteria is used: PVS1, PM2_Supporting (not reported in gnomAD SVs v2.1), PP4_Supporting (loss of PMS2 expression in tumor (PMID: 30572730)).